The following is an entry in ClinVar:

ClinVar aggregate classification (germline): Likely benign (0 of 4 stars; one submission).

Conditions:
PLXNA1-related disorder. Also called: PLXNA1-related condition.

Allele frequency attached by ClinVar (database versions not stated): gnomAD 0.00002; ExAC 0.00003; TOPMed 0.00003.
gnomAD v4.1: 55 of 1,612,248 alleles (0.0034%); highest among the groups gnomAD compares: East Asian, 0.0067%; no homozygotes.

Submission:

PreventionGenetics, part of Exact Sciences
Classification: Likely benign for PLXNA1-related condition. Last evaluated: 2023-06-22. Review status: no assertion criteria provided. Collection method: clinical testing. Allele origin: germline.
Comment: This variant is classified as likely benign based on ACMG/AMP sequence variant interpretation guidelines (Richards et al. 2015 PMID: 25741868, with internal and published modifications).

NM_032242.4(PLXNA1):c.2067C>T (p.Asn689=)

Gene: PLXNA1 (plexin A1; plus strand). Cytogenetic location: 3q21.3.
Variant type: single nucleotide variant.
Coding change: c.2067C>T on transcript NM_032242.4 (MANE Select); coding-DNA position 2067, C replaced by T.
Protein change: p.Asn689=; no amino-acid change (asparagine 689 retained).
Molecular consequence: synonymous variant.
Genome position (GRCh38, 1-based): chr3:127,007,868, C>T. VCF-style: chr3-127007868-C-T. GRCh37 (hg19) VCF-style: chr3-126726711-C-T.
Identifiers: ClinVar variation 3047732 (VCV003047732.2), dbSNP rs778007839, ClinGen allele CA2593488.